The following is an entry in ClinVar:

ClinVar aggregate classification (germline): Pathogenic. Review status: reviewed by expert panel (3 of 4 stars). 7 submissions from 7 submitters: Pathogenic (1). 6 of the submissions do not count toward it. Last evaluated 2017-03-17.

Conditions:
CFTR-related disorder (CFTR-RD). Also called: CFTR-related condition; CFTR-related disorders. Identifiers: MedGen C5924204, MONDO:7770004.
Cystic fibrosis (CF). Also called: MUCOVISCIDOSIS. Identifiers: Orphanet 586, MedGen C0010674, MONDO:0009061, OMIM 219700. Disease mechanism: loss of function.

Submissions (7):

CFTR2
Classification: Pathogenic for Cystic fibrosis. Last evaluated: 2017-03-17. Review status: reviewed by expert panel. Criteria: Sosnay PR et al. (Nat Genet 2013). Collection method: research. Allele origin: germline. Affected: yes. Study: CFTR2.

Natera, Inc.
Classification: Pathogenic for CFTR-related disorders. Last evaluated: 2025-12-03. Review status: criteria provided, single submitter. Criteria: Natera Variant Classification Schema (03/2026). Collection method: clinical testing. Allele origin: germline. Not counted in ClinVar's aggregate classification.
Comment: The c.1986_1989delAACT variant in CFTR is a frameshift variant predicted to shift the reading frame beginning at codon 663 and leads to a stop codon 8 codons downstream. This variant is expected to result in nonsense mediated decay, truncation, or a dysfunctional protein product. This variant is rare in the general population with a frequency below the threshold expected for the associated phenotype(s). This variant has been observed in one or more individuals affected with the associated recessive disease, as either homozygous or compound heterozygous with a second variant (PMID: 30548586, 15772171). Given the available evidence, this variant is classified as Pathogenic.

Ambry Genetics
Classification: Pathogenic for Cystic fibrosis. Last evaluated: 2024-05-10. Review status: criteria provided, single submitter. Criteria: Ambry Variant Classification Scheme 2023. Collection method: clinical testing. Allele origin: germline. Not counted in ClinVar's aggregate classification.
Comment: The c.1986_1989delAACT pathogenic mutation, located in coding exon 14 of the CFTR gene, results from a deletion of 4 nucleotides at nucleotide positions 1986 to 1989, causing a translational frameshift with a predicted alternate stop codon (p.T663Rfs*8). This alteration has been reported in the compound heterozygous state with a second CFTR alteration in an individual from a cystic fibrosis cohort (Chevalier-Porst F et al. Hum. Mol. Genet., 1993 Jul;2:1071-2). Of note, this alteration is also known as 2118del4 in published literature. This alteration is expected to result in loss of function by premature protein truncation or nonsense-mediated mRNA decay. As such, this alteration is interpreted as a disease-causing mutation.

Labcorp Genetics (formerly Invitae), Labcorp
Classification: Pathogenic for Cystic fibrosis. Last evaluated: 2023-11-08. Review status: criteria provided, single submitter. Criteria: Invitae Variant Classification Sherloc (09022015). Collection method: clinical testing. Allele origin: germline. Not counted in ClinVar's aggregate classification.
Comment: This sequence change creates a premature translational stop signal (p.Thr663Argfs*8) in the CFTR gene. It is expected to result in an absent or disrupted protein product. Loss-of-function variants in CFTR are known to be pathogenic (PMID: 1695717, 7691345, 9725922). This variant is not present in population databases (gnomAD no frequency). This premature translational stop signal has been observed in individual(s) with CFTR-related conditions (PMID: 7689898). This variant is also known as 2118del4. ClinVar contains an entry for this variant (Variation ID: 53421). For these reasons, this variant has been classified as Pathogenic.

ARUP Laboratories, Molecular Genetics and Genomics, ARUP Laboratories
Classification: Pathogenic. Last evaluated: 2019-05-16. Review status: criteria provided, single submitter. Criteria: ARUP Molecular Germline Variant Investigation Process. Collection method: clinical testing. Allele origin: germline. Not counted in ClinVar's aggregate classification.
Comment: The CFTR c.1986_1989delAACT; p.Thr663fs variant (rs397508325), also known as 2118del4, is reported in the literature in the compound heterozygous state in individuals affected with cystic fibrosis (UMD-CFTR mutation database, Chevalier-Porst 1993). This variant is reported as pathogenic by multiple laboratories in ClinVar (Variation ID: 53421), and is absent from general population databases (Exome Variant Server, Genome Aggregation Database), indicating it is not a common polymorphism. This variant causes a frameshift by deleting 4 nucleotides, so it is predicted to result in a truncated protein or mRNA subject to nonsense-mediated decay. Based on available information, this variant is considered to be pathogenic. References: Link to UMD-CFTR mutation database: Chevalier-Porst F et al. Identification of three rare frameshift mutations in exon 13 of the cystic fibrosis gene: 1918delGC, 2118del4 and 2372del8. Hum Mol Genet. 1993 Jul;2(7):1071-2.

CFTR-France
Classification: Pathogenic for cystic fibrosis. Last evaluated: 2018-01-29. Review status: criteria provided, single submitter. Criteria: Claustres M et al. (Hum Mutat 2017). Collection method: curation. Allele origin: germline. Affected: yes. Not counted in ClinVar's aggregate classification.

Counsyl
Classification: Pathogenic for Cystic fibrosis. Last evaluated: 2016-02-25. Review status: no assertion criteria provided. Collection method: clinical testing. Allele origin: unknown. Not counted in ClinVar's aggregate classification.

Literature cited by the submitters: PubMed 30548586 (cited by Natera, Inc.); PubMed 15772171 (cited by Natera, Inc. and Ambry Genetics); PubMed 7689898 (cited by 3 submitters); PubMed 1695717 (cited by Labcorp Genetics (formerly Invitae), Labcorp); PubMed 7691345 (cited by Labcorp Genetics (formerly Invitae), Labcorp); PubMed 9725922 (cited by Labcorp Genetics (formerly Invitae), Labcorp).

NM_000492.4(CFTR):c.1986_1989del (p.Thr663fs)

Gene: CFTR (CF transmembrane conductance regulator; plus strand). Cytogenetic location: 7q31.2.
Variant type: Deletion.
Coding change: c.1986_1989del on transcript NM_000492.4 (MANE Select); coding-DNA positions 1986 to 1989, 4 bases deleted (AACT; older notation c.1986_1989delAACT).
Protein change: p.Thr663fs; shifts the reading frame from threonine 663.
Molecular consequence: frameshift variant.
Genome position (GRCh38, 1-based): chr7:117,592,153-117,592,156, AACT deleted; deleting any 4 consecutive bases within chr7:117,592,151-117,592,156 gives the same sequence; the c. name uses the placement nearest the transcript's 3' end. VCF-style (leftmost placement, unchanged base first): chr7-117592150-CCTAA-C. GRCh37 (hg19) VCF-style: chr7-117232204-CCTAA-C.
Other names: 2118del4; c.1984_1987delCTAA (NM_000492.3); short protein forms T663fs.
Identifiers: ClinVar variation 53421 (VCV000053421.21), dbSNP rs397508325, ClinGen allele CA326724.